The following is an entry in ClinVar:

ClinVar aggregate classification (germline): Uncertain significance. Review status: criteria provided, multiple submitters, no conflicts (2 of 4 stars). 4 submissions from 4 submitters: Uncertain significance (4). Last evaluated 2025-09-11.

Conditions:
Hereditary cancer-predisposing syndrome. Also called: Hereditary neoplastic syndrome; Neoplastic Syndromes, Hereditary; Tumor predisposition; Hereditary Cancer Syndrome. Identifiers: Orphanet 140162, MedGen C0027672, MeSH D009386, MONDO:0015356.
Familial adenomatous polyposis 1 (FAP1). Also called: POLYPOSIS, ADENOMATOUS INTESTINAL; FAMILIAL ADENOMATOUS POLYPOSIS 1, ATTENUATED. Identifiers: MedGen C2713442, MONDO:0021056, OMIM 175100. Disease mechanism: loss of function.

Allele frequency attached by ClinVar (database versions not stated): TOPMed 0.00001.
gnomAD v4.1: 5 of 1,614,086 alleles (0.00031%); highest among the groups gnomAD compares: Non-Finnish European, 0.00034%; no homozygotes.

Submissions (4):

Color Diagnostics, LLC DBA Color Health
Classification: Uncertain significance for Hereditary cancer-predisposing syndrome. Last evaluated: 2025-09-11. Review status: criteria provided, single submitter. Criteria: ACMG Guidelines, 2015. Collection method: clinical testing. Allele origin: germline.
Comment: This missense variant replaces serine with tryptophan at codon 940 of the APC protein. Computational prediction suggests that this variant may not impact protein structure and function. APC is defined as a gene for which primarily truncating variants are known to cause disease (ClinGen HCCP VCEP). To our knowledge, functional studies have not been reported for this variant. This variant has not been reported in individuals affected with APC-related disorders in the literature. This variant has not been identified in the general population by the Genome Aggregation Database (gnomAD). The available evidence is insufficient to determine the role of this variant in disease conclusively. Therefore, this variant is classified as a Variant of Uncertain Significance.

Labcorp Genetics (formerly Invitae), Labcorp
Classification: Uncertain significance for Familial adenomatous polyposis 1. Last evaluated: 2025-01-17. Review status: criteria provided, single submitter. Criteria: Invitae Variant Classification Sherloc (09022015). Collection method: clinical testing. Allele origin: germline.
Comment: This sequence change replaces serine, which is neutral and polar, with tryptophan, which is neutral and slightly polar, at codon 940 of the APC protein (p.Ser940Trp). This variant is not present in population databases (gnomAD no frequency). This variant has not been reported in the literature in individuals affected with APC-related conditions. ClinVar contains an entry for this variant (Variation ID: 469773). Invitae Evidence Modeling of protein sequence and biophysical properties (such as structural, functional, and spatial information, amino acid conservation, physicochemical variation, residue mobility, and thermodynamic stability) indicates that this missense variant is not expected to disrupt APC protein function with a negative predictive value of 95%. In summary, the available evidence is currently insufficient to determine the role of this variant in disease. Therefore, it has been classified as a Variant of Uncertain Significance.

Ambry Genetics
Classification: Uncertain significance for Hereditary cancer-predisposing syndrome. Last evaluated: 2024-10-22. Review status: criteria provided, single submitter. Criteria: Ambry Variant Classification Scheme 2023. Collection method: clinical testing. Allele origin: germline.
Comment: The p.S940W variant (also known as c.2819C>G), located in coding exon 15 of the APC gene, results from a C to G substitution at nucleotide position 2819. The serine at codon 940 is replaced by tryptophan, an amino acid with highly dissimilar properties. This nucleotide position is well conserved in available vertebrate species. This amino acid position is not well conserved in available vertebrate species. In addition, in silico predictors for this gene do not accurately predict pathogenicity. Since supporting evidence is limited at this time, the clinical significance of this alteration remains unclear.

Laboratory for Molecular Medicine, Mass General Brigham Personalized Medicine
Classification: Uncertain significance. Last evaluated: 2016-12-08. Review status: criteria provided, single submitter. Criteria: LMM Criteria. Collection method: clinical testing. Allele origin: germline. Observed: 1 variant allele.
Comment: The p.Ser940Trp variant in APC has not been previously reported in individuals w ith APC-associated polyposis or in large population studies. Computational predi ction tools and conservation analysis suggest that the p.Ser940Trp variant may n ot impact the protein, though this information is not predictive enough to rule out pathogenicity. In summary, the clinical significance of the p.Ser940Trp vari ant is uncertain.

NM_000038.6(APC):c.2819C>G (p.Ser940Trp)

Gene: APC (APC regulator of Wnt signaling pathway; plus strand). Cytogenetic location: 5q22.2.
Variant type: single nucleotide variant.
Coding change: c.2819C>G on transcript NM_000038.6 (MANE Select); coding-DNA position 2819, C replaced by G.
Protein change: p.Ser940Trp; replaces serine 940 with tryptophan.
Molecular consequence: missense variant.
Genome position (GRCh38, 1-based): chr5:112,838,413, C>G. VCF-style: chr5-112838413-C-G. GRCh37 (hg19) VCF-style: chr5-112174110-C-G.
Other names: c.2819C>G, p.Ser940Trp (NM_001127510.3, NM_001354895.2); c.2765C>G, p.Ser922Trp (NM_001127511.3); c.2873C>G, p.Ser958Trp (NM_001354896.2); c.2849C>G, p.Ser950Trp (NM_001354897.2); c.2744C>G, p.Ser915Trp (NM_001354898.2); c.2735C>G, p.Ser912Trp (NM_001354899.2); c.2696C>G, p.Ser899Trp (NM_001354900.2); c.2642C>G, p.Ser881Trp (NM_001354901.2); and 5 more; short protein forms S922W, S940W, S657W, S780W, S814W, S899W, S950W, S849W.
Identifiers: ClinVar variation 469773 (VCV000469773.23), dbSNP rs544709767, ClinGen allele CA16027479.